The following is an entry in ClinVar:

ClinVar aggregate classification (germline): Benign/Likely benign. Review status: criteria provided, multiple submitters, no conflicts (2 of 4 stars). 2 submissions from 2 submitters: Benign (1); Likely benign (1). Last evaluated 2025-11-01.

Allele frequency attached by ClinVar (database versions not stated): gnomAD 0.00001; TOPMed 0.00001.
gnomAD v4.1: 88 of 1,544,726 alleles (0.0057%); highest among the groups gnomAD compares: South Asian, 0.092%; 3 homozygotes.

Submissions (2):

CeGaT Center for Human Genetics Tuebingen
Classification: Likely benign. Last evaluated: 2025-11-01. Review status: criteria provided, single submitter. Criteria: CeGaT Center For Human Genetics Tuebingen Variant Classification Criteria Version 2. Collection method: clinical testing. Allele origin: germline. Affected: yes. Observed: 1 variant allele.
Comment: UMOD: BP4, BP7

Labcorp Genetics (formerly Invitae), Labcorp
Classification: Benign. Last evaluated: 2023-10-09. Review status: criteria provided, single submitter. Criteria: Invitae Variant Classification Sherloc (09022015). Collection method: clinical testing. Allele origin: germline.

NM_003361.4(UMOD):c.561C>T (p.Thr187=)

Gene: UMOD (uromodulin; minus strand). Cytogenetic location: 16p12.3.
Variant type: single nucleotide variant.
Coding change: c.561C>T on transcript NM_003361.4 (MANE Select); coding-DNA position 561, C replaced by T.
Protein change: p.Thr187=; no amino-acid change (threonine 187 retained).
Molecular consequence: synonymous variant. On other transcripts: non-coding transcript variant (1).
Genome position (GRCh38, 1-based): chr16:20,348,740, G>A on the plus strand (C>T on the coding strand, the complement: UMOD is on the minus strand). VCF-style: chr16-20348740-G-A. GRCh37 (hg19) VCF-style: chr16-20360062-G-A.
Other names: c.561C>T, p.Thr187= (NM_001008389.3, NM_001378232.1, NM_001378233.1 and 3 more transcripts); c.660C>T, p.Thr220= (NM_001278614.2).
Identifiers: ClinVar variation 2919728 (VCV002919728.9), dbSNP rs772943401, ClinGen allele CA7939433.
Genomic context (GRCh38, chr16:20,348,740, plus strand): 5'-GCCCACGAAGCGGTACCAGCCGCGCAGGTCCGTGTCGCAGGCGTAGCCCTCCCCGTACTC[G>A]GTGCTGCGCCAGTACTCGTCCAGGGTGCGGTGCGCCTGGCACGGATCCGCGCACACGAGC-3'
Protein context (NP_003352.2, residues 177-197): HRTLDEYWRS[Thr187=]EYGEGYACDT